The following is an entry in ClinVar:

NM_004423.4(DVL3):c.1377G>A (p.Thr459=)

Gene: DVL3 (dishevelled segment polarity protein 3; plus strand). Cytogenetic location: 3q27.1.
Variant type: single nucleotide variant.
Coding change: c.1377G>A on transcript NM_004423.4 (MANE Select); coding-DNA position 1377, G replaced by A.
Protein change: p.Thr459=; no amino-acid change (threonine 459 retained).
Molecular consequence: synonymous variant.
Genome position (GRCh38, 1-based): chr3:184,167,944, G>A. VCF-style: chr3-184167944-G-A. GRCh37 (hg19) VCF-style: chr3-183885732-G-A.
Identifiers: ClinVar variation 1167749 (VCV001167749.12), dbSNP rs201946541, ClinGen allele CA2727399.

ClinVar aggregate classification (germline): Benign/Likely benign. Review status: criteria provided, multiple submitters, no conflicts (2 of 4 stars). 3 submissions from 3 submitters: Benign (1); Likely benign (2). Last evaluated 2026-03-01.

Allele frequency attached by ClinVar (database versions not stated): ExAC 0.00021; gnomAD exomes 0.00024 and 0.00015; 1000 Genomes Project 30x 0.00031; TOPMed 0.00034; gnomAD 0.00038 and 0.00043; ESP Exome Variant Server 0.00008; 1000 Genomes Project 0.00020.

Submissions (3):

CeGaT Center for Human Genetics Tuebingen
Classification: Likely benign. Last evaluated: 2026-03-01. Review status: criteria provided, single submitter. Criteria: CeGaT Center For Human Genetics Tuebingen Variant Classification Criteria Version 2. Collection method: clinical testing. Allele origin: germline. Affected: yes. Observed: 1 variant allele.
Comment: DVL3: BP4, BP7, BS1

Labcorp Genetics (formerly Invitae), Labcorp
Classification: Benign. Last evaluated: 2025-10-07. Review status: criteria provided, single submitter. Criteria: Invitae Variant Classification Sherloc (09022015). Collection method: clinical testing. Allele origin: germline.

Blueprint Genetics
Classification: Likely benign. Last evaluated: 2024-08-23. Review status: criteria provided, single submitter. Criteria: ACMG Guidelines, 2015. Collection method: clinical testing. Allele origin: germline.